The following is an entry in ClinVar:

NM_005273.4(GNB2):c.387C>T (p.Arg129=)

Gene: GNB2 (G protein subunit beta 2; plus strand). Cytogenetic location: 7q22.1.
Variant type: single nucleotide variant.
Coding change: c.387C>T on transcript NM_005273.4 (MANE Select); coding-DNA position 387, C replaced by T.
Protein change: p.Arg129=; no amino-acid change (arginine 129 retained).
Molecular consequence: synonymous variant.
Genome position (GRCh38, 1-based): chr7:100,677,617, C>T. VCF-style: chr7-100677617-C-T. GRCh37 (hg19) VCF-style: chr7-100275240-C-T.
Other names: c.387C>T (NM_005273.3).
Identifiers: ClinVar variation 4084803 (VCV004084803.8).

ClinVar aggregate classification (germline): Likely benign. Review status: criteria provided, multiple submitters, no conflicts (2 of 4 stars). 2 submissions from 2 submitters: Likely benign (2). Last evaluated 2026-02-03.

Conditions:
Inborn genetic diseases. Identifiers: MedGen C0950123, MeSH D030342.

gnomAD v4.1: 13 of 1,613,422 alleles (0.00081%); highest among the groups gnomAD compares: African/African-American, 0.0027%; no homozygotes.

Submissions (2):

Ambry Genetics
Classification: Likely benign for Inborn genetic diseases. Last evaluated: 2026-02-03. Review status: criteria provided, single submitter. Criteria: Ambry Variant Classification Scheme 2023. Collection method: clinical testing. Allele origin: germline.

CeGaT Center for Human Genetics Tuebingen
Classification: Likely benign. Last evaluated: 2025-06-01. Review status: criteria provided, single submitter. Criteria: CeGaT Center For Human Genetics Tuebingen Variant Classification Criteria Version 2. Collection method: clinical testing. Allele origin: germline. Affected: yes. Observed: 1 variant allele.
Comment: GNB2: BP4, BP7